The following is an entry in ClinVar:

ClinVar aggregate classification (germline): Uncertain significance (1 of 4 stars; one submission).

Submission:

CeGaT Center for Human Genetics Tuebingen
Classification: Uncertain significance. Last evaluated: 2025-03-01. Review status: criteria provided, single submitter. Criteria: CeGaT Center For Human Genetics Tuebingen Variant Classification Criteria Version 2. Collection method: clinical testing. Allele origin: germline. Affected: yes. Observed: 1 variant allele.
Comment: PRR12: PM2, PS2:Supporting

NM_020719.3(PRR12):c.3893T>C (p.Leu1298Pro)

Gene: PRR12 (proline rich 12; plus strand). Cytogenetic location: 19q13.33.
Variant type: single nucleotide variant.
Coding change: c.3893T>C on transcript NM_020719.3 (MANE Select); coding-DNA position 3893, T replaced by C.
Protein change: p.Leu1298Pro; replaces leucine 1298 with proline.
Molecular consequence: missense variant.
Genome position (GRCh38, 1-based): chr19:49,599,486, T>C. VCF-style: chr19-49599486-T-C. GRCh37 (hg19) VCF-style: chr19-50102743-T-C.
Other names: short protein forms L1298P.
Identifiers: ClinVar variation 3778569 (VCV003778569.7).